The following is an entry in ClinVar:

ClinVar aggregate classification (germline): Likely pathogenic (1 of 4 stars; one submission).

Conditions:
Gaucher disease. Also called: Acute cerebral Gaucher disease; Cerebroside lipidosis syndrome; Gaucher splenomegaly; Sphingolipidosis 1; Glucocerebrosidosis; Glucosylceramidase deficiency. Identifiers: Orphanet 355, MedGen C0017205, MONDO:0018150.

Submission:

Women's Health and Genetics/Laboratory Corporation of America, LabCorp
Classification: Likely pathogenic for Gaucher disease. Last evaluated: 2025-02-24. Review status: criteria provided, single submitter. Criteria: LabCorp Variant Classification Summary - May 2015. Collection method: clinical testing. Allele origin: germline.
Comment: Variant summary: GBA1 c.187G>A (p.Asp63Asn) results in a conservative amino acid change in the encoded protein sequence. Four of five in-silico tools predict a damaging effect of the variant on protein function. The variant was absent in 251414 control chromosomes. c.187G>A has been reported in the literature in at least one compound heterozygous individual affected with Gaucher Disease, type 1 (e.g., Miocic_2005). It has also been identified in at least one individual with Parkinson's disease (Petrucci_2020). At least one publication reports experimental evidence evaluating an impact on protein function; in vitro expression in COS-1 cells demonstrated that the variant results in 1-4% of residual activity compared to wild type (e.g., Miocic_2005). The following publications have been ascertained in the context of this evaluation (PMID: 15605411, 32658388). No submitters have cited clinical-significance assessments for this variant to ClinVar. Based on the evidence outlined above, the variant was classified as likely pathogenic.

Literature cited by the submitters: PubMed 15605411; PubMed 32658388.

NM_000157.4(GBA1):c.187G>A (p.Asp63Asn)

Genes: GBA1 (glucosylceramidase beta 1; minus strand), LOC106627981 (GBA recombination region; plus strand). Cytogenetic location: 1q22.
Variant type: single nucleotide variant.
Coding change: c.187G>A on transcript NM_000157.4 (MANE Select); coding-DNA position 187, G replaced by A.
Protein change: p.Asp63Asn; replaces aspartic acid 63 with asparagine.
Molecular consequence: missense variant. On other transcripts: 5 prime UTR variant (1).
Genome position (GRCh38, 1-based): chr1:155,240,006, C>T on the plus strand (G>A on the coding strand, the complement: GBA1 is on the minus strand). VCF-style: chr1-155240006-C-T. GRCh37 (hg19) VCF-style: chr1-155209797-C-T.
Other names: c.187G>A, p.Asp63Asn (NM_001005741.3, NM_001005742.3, NM_001171812.2); c.-75G>A (NM_001171811.2); short protein forms D63N.
Identifiers: ClinVar variation 3768864 (VCV003768864.1).